The following is an entry in ClinVar:

ClinVar aggregate classification (germline): Pathogenic. Review status: criteria provided, single submitter (1 of 4 stars). 3 submissions from 3 submitters: Pathogenic (1). 2 of the submissions do not count toward it. Last evaluated 2022-04-11.

Conditions:
PCDH12-related disorder. Also called: PCDH12-related condition.
Diencephalic-mesencephalic junction dysplasia. Also called: Diencephalic-mesencephalic junction dysplasia syndrome. Identifiers: Orphanet 319192, MedGen C4707858, MONDO:0017868.

Allele frequency attached by ClinVar (database versions not stated): gnomAD exomes below 0.00001 and 0.00001; gnomAD 0.00001.

Submissions (3):

Blueprint Genetics
Classification: Pathogenic for PCDH12-related disorders. Last evaluated: 2022-04-11. Review status: criteria provided, single submitter. Criteria: ACMG Guidelines, 2015. Collection method: clinical testing. Allele origin: germline. Affected: yes. Observed: 1 variant allele.

Yale Center for Mendelian Genomics, Yale University
Classification: Pathogenic for Diencephalicâ€mesencephalic junction dysplasia syndrome. Last evaluated: 2018-09-03. Review status: no assertion criteria provided. Collection method: literature only. Allele origin: germline. Affected: yes. Observed: 1 homozygote. Not counted in ClinVar's aggregate classification.

Department of Pathology and Laboratory Medicine, Sinai Health System
Classification: Pathogenic. Review status: no assertion criteria provided. Collection method: clinical testing. Allele origin: unknown. Affected: yes. Study: The Canadian Open Genetics Repository (COGR). Not counted in ClinVar's aggregate classification.
Comment: PCDH12 was reported recently as related to recessive microcephaly PubMed 27164683

Literature cited by the submitters: PubMed 30178464 (cited by Yale Center for Mendelian Genomics, Yale University).

NM_016580.4(PCDH12):c.1060del (p.Val354fs)

Genes: PCDH12 (protocadherin 12; minus strand), RNF14 (ring finger protein 14; plus strand). Cytogenetic location: 5q31.3.
Variant type: Deletion.
Coding change: c.1060del on transcript NM_016580.4 (MANE Select); coding-DNA position 1060, one base deleted (G; older notation c.1060delG).
Protein change: p.Val354fs; shifts the reading frame from valine 354.
Molecular consequence: frameshift variant.
Genome position (GRCh38, 1-based): chr5:141,956,792, C deleted on the plus strand (G on the coding strand, the reverse complement: PCDH12 is on the minus strand). VCF-style (leftmost placement, unchanged base first): chr5-141956791-AC-A. GRCh37 (hg19) VCF-style: chr5-141336356-AC-A.
Other names: c.1060delG (NM_016580.3); short protein forms V354fs.
Identifiers: ClinVar variation 684720 (VCV000684720.4), dbSNP rs1199523766, ClinGen allele CA447094952.